The following is an entry in ClinVar:

ClinVar aggregate classification (germline): Conflicting classifications of pathogenicity. Review status: criteria provided, conflicting classifications (1 of 4 stars). 4 submissions from 4 submitters: Uncertain significance (3); Likely benign (1). Last evaluated 2026-01-19.

Conditions:
Inborn genetic diseases. Identifiers: MedGen C0950123, MeSH D030342.
Jeune thoracic dystrophy. Also called: Jeune syndrome; Short-rib thoracic dysplasia; Infantile thoracic dystrophy; Thoracic pelvic phalangeal dystrophy; Jeune's syndrome; Chondroectodermal dysplasia-like syndrome. Identifiers: Orphanet 474, MedGen C0265275, MONDO:0018770.

Allele frequency attached by ClinVar (database versions not stated): ExAC 0.00003; gnomAD exomes 0.00003; gnomAD 0.00013 and 0.00014; 1000 Genomes Project 30x 0.00016; TOPMed 0.00018; 1000 Genomes Project 0.00020; ESP Exome Variant Server 0.00025.
gnomAD v4.1: 33 of 1,612,666 alleles (0.002%); highest among the groups gnomAD compares: African/African-American, 0.041%; no homozygotes.

Submissions (4):

Labcorp Genetics (formerly Invitae), Labcorp
Classification: Likely benign for Jeune thoracic dystrophy. Last evaluated: 2026-01-19. Review status: criteria provided, single submitter. Criteria: Invitae Variant Classification Sherloc (09022015). Collection method: clinical testing. Allele origin: germline.

Ambry Genetics
Classification: Uncertain significance for Inborn genetic diseases. Last evaluated: 2024-12-25. Review status: criteria provided, single submitter. Criteria: Ambry Variant Classification Scheme 2023. Collection method: clinical testing. Allele origin: germline.

GeneDx
Classification: Uncertain significance. Last evaluated: 2023-11-08. Review status: criteria provided, single submitter. Criteria: GeneDx Variant Classification Process June 2021. Collection method: clinical testing. Allele origin: germline. Affected: yes.
Comment: In silico analysis supports that this missense variant does not alter protein structure/function; Has not been previously published as pathogenic or benign to our knowledge

Blueprint Genetics
Classification: Uncertain significance. Last evaluated: 2022-03-18. Review status: criteria provided, single submitter. Criteria: ACMG Guidelines, 2015. Collection method: clinical testing. Allele origin: germline.

NM_001377.3(DYNC2H1):c.11176A>G (p.Ile3726Val)

Gene: DYNC2H1 (dynein cytoplasmic 2 heavy chain 1; plus strand). Cytogenetic location: 11q22.3.
Variant type: single nucleotide variant.
Coding change: c.11176A>G on transcript NM_001377.3 (MANE Select); coding-DNA position 11176, A replaced by G.
Protein change: p.Ile3726Val; replaces isoleucine 3726 with valine.
Molecular consequence: missense variant.
Genome position (GRCh38, 1-based): chr11:103,303,173, A>G. VCF-style: chr11-103303173-A-G. GRCh37 (hg19) VCF-style: chr11-103173902-A-G.
Other names: c.11197A>G, p.Ile3733Val (NM_001080463.2); c.11197A>G (NM_001080463.1); short protein forms I3726V, I3733V.
Identifiers: ClinVar variation 1590364 (VCV001590364.12), dbSNP rs370622418, ClinGen allele CA6255175.